The following is an entry in ClinVar:

ClinVar aggregate classification (germline): Pathogenic. Review status: criteria provided, single submitter (1 of 4 stars). 2 submissions from 2 submitters: Pathogenic (1). 1 of the submissions does not count toward it. Last evaluated 2024-10-04.

Conditions:
Neurodevelopmental disorder with spastic quadriplegia and brain abnormalities with or without seizures. Also called: ELHATTAB-ALKURAYA SYNDROME. Identifiers: MedGen C4693816, MONDO:0060704, OMIM 617977.

Submissions (2):

Dubai Health Genomic Medicine Center, Dubai Health
Classification: Pathogenic for Neurodevelopmental disorder with spastic quadriplegia and brain abnormalities with or without seizures. Last evaluated: 2024-10-04. Review status: criteria provided, single submitter. Criteria: ACMG Guidelines, 2015. Collection method: research. Allele origin: germline. Affected: yes.
Comment: PVS1,PP1,PM2

OMIM
Classification: Pathogenic for NEURODEVELOPMENTAL DISORDER WITH SPASTIC QUADRIPLEGIA, BRAIN ABNORMALITIES, AND SEIZURES. Last evaluated: 2021-09-20. Review status: no assertion criteria provided. Collection method: literature only. Allele origin: germline. Not counted in ClinVar's aggregate classification.

Literature cited by the submitters: Suleiman, J., Allingham-Hawkins, D., Hashem, M., Shamseldin, H. E., Alkuraya, F. S., El-Hattab, A. W. WDR45B-related intellectual disability, spastic quadriplegia, epilepsy, and cerebral hypoplasia: a consistent neurodevelopmental syndrome. Clin. Genet. 93: 360-364, 2018. (cited by OMIM).

NM_019613.4(WDR45B):c.799C>T (p.Gln267Ter)

Gene: WDR45B (WD repeat domain 45B; minus strand). Cytogenetic location: 17q25.3.
Variant type: single nucleotide variant.
Coding change: c.799C>T on transcript NM_019613.4 (MANE Select); coding-DNA position 799, C replaced by T.
Protein change: p.Gln267Ter; replaces glutamine 267 with a stop codon.
Molecular consequence: nonsense.
Genome position (GRCh38, 1-based): chr17:82,617,303, G>A on the plus strand (C>T on the coding strand, the complement: WDR45B is on the minus strand). VCF-style: chr17-82617303-G-A. GRCh37 (hg19) VCF-style: chr17-80575179-G-A.
Other names: short protein forms Q267*.
Identifiers: ClinVar variation 523671 (VCV000523671.4), dbSNP rs1555647262, ClinGen allele CA401611302.
Genomic context (GRCh38, chr17:82,617,303, plus strand): 5'-TGGGGACTCCTCTCATCCCCCGGCTTTTCCCCAGCAGGCATCCTAACACCTACCTGGACT[G>A]TTTATTCCTTTTTGGATCTTCAGCTGCAAAAATATGCACTGTGCCGTGGTCGCTGGATAC-3'